The following is an entry in ClinVar:

ClinVar aggregate classification (germline): Likely pathogenic (1 of 4 stars; one submission).

Submission:

Labcorp Genetics (formerly Invitae), Labcorp
Classification: Likely pathogenic. Last evaluated: 2022-07-14. Review status: criteria provided, single submitter. Criteria: Invitae Variant Classification Sherloc (09022015). Collection method: clinical testing. Allele origin: germline.
Comment: This sequence change replaces asparagine, which is neutral and polar, with lysine, which is basic and polar, at codon 707 of the FBXO11 protein (p.Asn707Lys). This variant is not present in population databases (gnomAD no frequency). This missense change has been observed in individual(s) with clinical features of FBXO11-related neurodevelopmental disorder (Invitae). In at least one individual the variant was observed to be de novo. ClinVar contains an entry for this variant (Variation ID: 1449471). Algorithms developed to predict the effect of missense changes on protein structure and function are either unavailable or do not agree on the potential impact of this missense change (SIFT: "Deleterious"; PolyPhen-2: "Probably Damaging"; Align-GVGD: "Class C0"). In summary, the currently available evidence indicates that the variant is pathogenic, but additional data are needed to prove that conclusively. Therefore, this variant has been classified as Likely Pathogenic.

NM_001190274.2(FBXO11):c.2121T>A (p.Asn707Lys)

Gene: FBXO11 (F-box protein 11; minus strand). Cytogenetic location: 2p16.3.
Variant type: single nucleotide variant.
Coding change: c.2121T>A on transcript NM_001190274.2 (MANE Select); coding-DNA position 2121, T replaced by A.
Protein change: p.Asn707Lys; replaces asparagine 707 with lysine.
Molecular consequence: missense variant.
Genome position (GRCh38, 1-based): chr2:47,813,340, A>T on the plus strand (T>A on the coding strand, the complement: FBXO11 is on the minus strand). VCF-style: chr2-47813340-A-T. GRCh37 (hg19) VCF-style: chr2-48040479-A-T.
Other names: c.1869T>A, p.Asn623Lys (NM_001374325.1, NM_025133.4); short protein forms N623K, N707K.
Identifiers: ClinVar variation 1449471 (VCV001449471.8), dbSNP rs2104658474, ClinGen allele CA346763397.